The following is an entry in ClinVar:

ClinVar aggregate classification (germline): Uncertain significance (1 of 4 stars; one submission).

Conditions:
Charcot-Marie-Tooth disease, type I (CMT1). Also called: Charcot-Marie-Tooth disease type 1; Charcot-Marie-Tooth, Type 1. Identifiers: Orphanet 65753, MedGen C0751036, MONDO:0019011.

gnomAD v4.1: 6 of 1,614,054 alleles (0.00037%); highest among the groups gnomAD compares: East Asian, 0.013%; no homozygotes.

Submission:

Labcorp Genetics (formerly Invitae), Labcorp
Classification: Uncertain significance for Charcot-Marie-Tooth disease, type I. Last evaluated: 2022-03-22. Review status: criteria provided, single submitter. Criteria: Invitae Variant Classification Sherloc (09022015). Collection method: clinical testing. Allele origin: germline.
Comment: This sequence change replaces leucine, which is neutral and non-polar, with valine, which is neutral and non-polar, at codon 31 of the EGR2 protein (p.Leu31Val). This variant is present in population databases (rs535186925, gnomAD 0.05%). This variant has not been reported in the literature in individuals affected with EGR2-related conditions. Algorithms developed to predict the effect of missense changes on protein structure and function are either unavailable or do not agree on the potential impact of this missense change (SIFT: "Not Available"; PolyPhen-2: "Benign"; Align-GVGD: "Not Available"). In summary, the available evidence is currently insufficient to determine the role of this variant in disease. Therefore, it has been classified as a Variant of Uncertain Significance.

NM_000399.5(EGR2):c.91C>G (p.Leu31Val)

Gene: EGR2 (early growth response 2; minus strand). Cytogenetic location: 10q21.3.
Variant type: single nucleotide variant.
Coding change: c.91C>G on transcript NM_000399.5 (MANE Select); coding-DNA position 91, C replaced by G.
Protein change: p.Leu31Val; replaces leucine 31 with valine.
Molecular consequence: missense variant. On other transcripts: 5 prime UTR variant (2).
Genome position (GRCh38, 1-based): chr10:62,815,939, G>C on the plus strand (C>G on the coding strand, the complement: EGR2 is on the minus strand). VCF-style: chr10-62815939-G-C. GRCh37 (hg19) VCF-style: chr10-64575699-G-C.
Other names: c.91C>G, p.Leu31Val (NM_001136177.3, NM_001136178.2); c.-60C>G (NM_001136179.3, NM_001321037.2); short protein forms L31V.
Identifiers: ClinVar variation 1444535 (VCV001444535.6), dbSNP rs535186925, ClinGen allele CA5517342.